The following is an entry in ClinVar:

ClinVar aggregate classification (germline): Likely benign (0 of 4 stars; one submission).

Conditions:
KIF26B-related disorder. Also called: KIF26B-related condition.

Allele frequency attached by ClinVar (database versions not stated): gnomAD exomes 0.00006; TOPMed 0.00012; gnomAD 0.00013; ExAC 0.00020; 1000 Genomes Project 0.00080; 1000 Genomes Project 30x 0.00094.
gnomAD v4.1: 129 of 1,613,410 alleles (0.008%); highest among the groups gnomAD compares: East Asian, 0.21%; 1 homozygote.

Submission:

PreventionGenetics, part of Exact Sciences
Classification: Likely benign for KIF26B-related condition. Last evaluated: 2022-03-18. Review status: no assertion criteria provided. Collection method: clinical testing. Allele origin: germline.
Comment: This variant is classified as likely benign based on ACMG/AMP sequence variant interpretation guidelines (Richards et al. 2015 PMID: 25741868, with internal and published modifications).

NM_018012.4(KIF26B):c.6008G>A (p.Arg2003Gln)

Gene: KIF26B (kinesin family member 26B; plus strand). Cytogenetic location: 1q44.
Variant type: single nucleotide variant.
Coding change: c.6008G>A on transcript NM_018012.4 (MANE Select); coding-DNA position 6008, G replaced by A.
Protein change: p.Arg2003Gln; replaces arginine 2003 with glutamine.
Molecular consequence: missense variant.
Genome position (GRCh38, 1-based): chr1:245,698,289, G>A. VCF-style: chr1-245698289-G-A. GRCh37 (hg19) VCF-style: chr1-245861591-G-A.
Other names: short protein forms R2003Q.
Identifiers: ClinVar variation 3053132 (VCV003053132.2), dbSNP rs368190159, ClinGen allele CA1488808.